The following is an entry in ClinVar:

ClinVar aggregate classification (germline): Uncertain significance. Review status: criteria provided, multiple submitters, no conflicts (2 of 4 stars). 2 submissions from 2 submitters: Uncertain significance (2). Last evaluated 2024-11-18.

Conditions:
Desmin-related myofibrillar myopathy (MFM1). Also called: Desminopathy; MYOFIBRILLAR MYOPATHY WITH ARRHYTHMOGENIC RIGHT VENTRICULAR CARDIOMYOPATHY; DESMIN-RELATED MYOPATHY WITH ARRHYTHMOGENIC RIGHT VENTRICULAR CARDIOMYOPATHY; Desmin related myopathy (former name); Desmin storage myopathy (former name); Myofibrillar myopathy 1. Identifiers: Orphanet 363543, Orphanet 98909, MedGen C1832370, MONDO:0011076, OMIM 601419.

Submissions (2):

Labcorp Genetics (formerly Invitae), Labcorp
Classification: Uncertain significance for Desmin-related myofibrillar myopathy. Last evaluated: 2024-11-18. Review status: criteria provided, single submitter. Criteria: Invitae Variant Classification Sherloc (09022015). Collection method: clinical testing. Allele origin: germline.
Comment: This variant, c.74_75insGCTCGGCTCCCC, results in the insertion of 4 amino acid(s) of the DES protein (p.Gly27_Leu30dup), but otherwise preserves the integrity of the reading frame. This variant is present in population databases (no rsID available, gnomAD 0.002%). This variant has not been reported in the literature in individuals affected with DES-related conditions. ClinVar contains an entry for this variant (Variation ID: 1060588). Experimental studies and prediction algorithms are not available or were not evaluated, and the functional significance of this variant is currently unknown. In summary, the available evidence is currently insufficient to determine the role of this variant in disease. Therefore, it has been classified as a Variant of Uncertain Significance.

Blueprint Genetics
Classification: Uncertain significance. Last evaluated: 2023-02-14. Review status: criteria provided, single submitter. Criteria: ACMG Guidelines, 2015. Collection method: clinical testing. Allele origin: germline.

NM_001927.4(DES):c.74_75insGCTCGGCTCCCC (p.Gly27_Leu30dup)

Gene: DES (desmin; plus strand). Cytogenetic location: 2q35.
Variant type: Insertion.
Coding change: c.74_75insGCTCGGCTCCCC on transcript NM_001927.4 (MANE Select); coding-DNA positions 74 to 75, GCTCGGCTCCCC inserted.
Protein change: p.Gly27_Leu30dup.
Molecular consequence: inframe insertion.
Genome position: GRCh38 VCF-style: chr2-219418533-T-TCCCGCTCGGCTC. GRCh37 (hg19) VCF-style: chr2-220283255-T-TCCCGCTCGGCTC.
Other names: c.74_75insGCTCGGCTCCCC, p.Gly27_Leu30dup (NM_001382708.1, NM_001382709.1, NM_001382710.1 and 3 more transcripts).
Identifiers: ClinVar variation 1060588 (VCV001060588.10), dbSNP rs1287075970, ClinGen allele CA539843107.